The following is an entry in ClinVar:

NM_001079855.2(GYG2):c.325-214A>G

Gene: GYG2 (glycogenin 2; plus strand). Cytogenetic location: Xp22.33.
Variant type: single nucleotide variant.
Coding change: c.325-214A>G on transcript NM_001079855.2 (MANE Select); 214 bases into the intron before coding-DNA position 325, A replaced by G.
Molecular consequence: intron variant.
Genome position (GRCh38, 1-based): chrX:2,854,779, A>G. VCF-style: chrX-2854779-A-G. GRCh37 (hg19) VCF-style: chrX-2772820-A-G.
Other names: c.418-214A>G (NM_003918.3, NM_001184703.2); c.325-214A>G (NM_001184702.2); c.-141-214A>G (NM_001184704.2).
Identifiers: ClinVar variation 673078 (VCV000673078.1), dbSNP rs142753289, ClinGen allele CA325965531.
Genomic context (GRCh38, chrX:2,854,779, plus strand): 5'-AGGCCAGGAGTTTGAGACCAGCCTGGCCAACACGGTGAAACCGTTTTTACTAAAAATACA[A>G]AAATTAGCCAGGCATGGTAACAGGTGCCTGTAATCCCAGCTACTCAAGAGGCTGAGGTGG-3'

ClinVar aggregate classification (germline): Likely benign (1 of 4 stars; one submission).

Allele frequency attached by ClinVar (database versions not stated): 1000 Genomes Project 0.00821; 1000 Genomes Project 30x 0.00937; gnomAD 0.01846 and 0.01917; TOPMed 0.01938.
gnomAD v4.1: 2,101 of 111,499 alleles (1.9%); highest among the groups gnomAD compares: Non-Finnish European, 2.9%; 27 homozygotes.

Submission:

GeneDx
Classification: Likely benign. Last evaluated: 2018-06-14. Review status: criteria provided, single submitter. Criteria: GeneDx Variant Classification (06012015). Collection method: clinical testing. Allele origin: germline. Affected: yes.
Comment: This variant is considered likely benign or benign based on one or more of the following criteria: it is a conservative change, it occurs at a poorly conserved position in the protein, it is predicted to be benign by multiple in silico algorithms, and/or has population frequency not consistent with disease.